The following is an entry in ClinVar:

NM_005076.5(CNTN2):c.1975+10A>G

Gene: CNTN2 (contactin 2; plus strand). Cytogenetic location: 1q32.1.
Variant type: single nucleotide variant.
Coding change: c.1975+10A>G on transcript NM_005076.5 (MANE Select); 10 bases into the intron after coding-DNA position 1975, A replaced by G.
Molecular consequence: intron variant.
Genome position (GRCh38, 1-based): chr1:205,066,609, A>G. VCF-style: chr1-205066609-A-G. GRCh37 (hg19) VCF-style: chr1-205035737-A-G.
Other names: c.1975+10A>G (NM_001346083.2).
Identifiers: ClinVar variation 1569779 (VCV001569779.8), dbSNP rs773175563, ClinGen allele CA1351542.

ClinVar aggregate classification (germline): Conflicting classifications of pathogenicity. Review status: criteria provided, conflicting classifications (1 of 4 stars). 2 submissions from 2 submitters: Uncertain significance (1); Likely benign (1). Last evaluated 2025-06-10.

Conditions:
Epilepsy, familial adult myoclonic, 5 (EPEO5). Also called: CORTICAL MYOCLONIC TREMOR WITH EPILEPSY, FAMILIAL, 5. Identifiers: Orphanet 86814, MedGen C3809374, MONDO:0014167, OMIM 615400.

Allele frequency attached by ClinVar (database versions not stated): gnomAD exomes below 0.00001; ExAC 0.00001.
gnomAD v4.1: 1 of 1,613,490 alleles (0.000062%); highest among the groups gnomAD compares: Admixed American, 0.0017%; no homozygotes.

Submissions (2):

Labcorp Genetics (formerly Invitae), Labcorp
Classification: Likely benign for Epilepsy, familial adult myoclonic, 5. Last evaluated: 2025-06-10. Review status: criteria provided, single submitter. Criteria: Invitae Variant Classification Sherloc (09022015). Collection method: clinical testing. Allele origin: germline.

Center for Genomics, Ann and Robert H. Lurie Children's Hospital of Chicago
Classification: Uncertain significance for Epilepsy, familial adult myoclonic, 5. Last evaluated: 2022-12-29. Review status: criteria provided, single submitter. Criteria: ACMG Guidelines, 2015. Collection method: clinical testing. Allele origin: germline.
Comment: This variant has not been reported in the literature and is not present in large control databases. This variant is present in ClinVar (Variation ID: 1569779). Evolutionary conservation and computational prediction tools for this variant are limited or unavailable. This is an intronic variant with no predicted change in the amino acid sequence, but it may have an unknown effect on splicing.